The following is an entry in ClinVar:

NM_001868.4(CPA1):c.179G>C (p.Gly60Ala)

Gene: CPA1 (carboxypeptidase A1; plus strand). Cytogenetic location: 7q32.2.
Variant type: single nucleotide variant.
Coding change: c.179G>C on transcript NM_001868.4 (MANE Select); coding-DNA position 179, G replaced by C.
Protein change: p.Gly60Ala; replaces glycine 60 with alanine.
Molecular consequence: missense variant.
Genome position (GRCh38, 1-based): chr7:130,381,661, G>C. VCF-style: chr7-130381661-G-C. GRCh37 (hg19) VCF-style: chr7-130021502-G-C.
Other names: c.179G>C (NM_001868.2); short protein forms G60A.
Identifiers: ClinVar variation 2181105 (VCV002181105.8), dbSNP rs374570775, ClinGen allele CA166885314.

ClinVar aggregate classification (germline): Uncertain significance. Review status: criteria provided, multiple submitters, no conflicts (2 of 4 stars). 2 submissions from 2 submitters: Uncertain significance (2). Last evaluated 2025-12-03.

Conditions:
Hereditary pancreatitis (PCTT). Also called: Hereditary chronic pancreatitis; PRSS1-Related Hereditary Pancreatitis. Identifiers: Orphanet 676, MedGen C0238339, MONDO:0008185, OMIM 167800.

Allele frequency attached by ClinVar (database versions not stated): ESP Exome Variant Server 0.00008.
gnomAD v4.1: 12 of 1,613,914 alleles (0.00074%); highest among the groups gnomAD compares: Non-Finnish European, 0.001%; no homozygotes.

Submissions (2):

Ambry Genetics
Classification: Uncertain significance for Hereditary pancreatitis. Last evaluated: 2025-12-03. Review status: criteria provided, single submitter. Criteria: Ambry Variant Classification Scheme 2023. Collection method: clinical testing. Allele origin: germline.

Labcorp Genetics (formerly Invitae), Labcorp
Classification: Uncertain significance. Last evaluated: 2023-11-02. Review status: criteria provided, single submitter. Criteria: Invitae Variant Classification Sherloc (09022015). Collection method: clinical testing. Allele origin: germline.
Comment: This sequence change replaces glycine, which is neutral and non-polar, with alanine, which is neutral and non-polar, at codon 60 of the CPA1 protein (p.Gly60Ala). This variant is not present in population databases (gnomAD no frequency). This variant has not been reported in the literature in individuals affected with CPA1-related conditions. ClinVar contains an entry for this variant (Variation ID: 2181105). An algorithm developed to predict the effect of missense changes on protein structure and function (PolyPhen-2) suggests that this variant is likely to be tolerated. In summary, the available evidence is currently insufficient to determine the role of this variant in disease. Therefore, it has been classified as a Variant of Uncertain Significance.